The following is an entry in ClinVar:

NM_000135.4(FANCA):c.2396C>T (p.Pro799Leu)

Gene: FANCA (FA complementation group A; minus strand). Cytogenetic location: 16q24.3.
Variant type: single nucleotide variant.
Coding change: c.2396C>T on transcript NM_000135.4 (MANE Select); coding-DNA position 2396, C replaced by T.
Protein change: p.Pro799Leu; replaces proline 799 with leucine.
Molecular consequence: missense variant.
Genome position (GRCh38, 1-based): chr16:89,769,945, G>A on the plus strand (C>T on the coding strand, the complement: FANCA is on the minus strand). VCF-style: chr16-89769945-G-A. GRCh37 (hg19) VCF-style: chr16-89836353-G-A.
Other names: c.2396C>T, p.Pro799Leu (NM_001286167.3); short protein forms P799L.
Identifiers: ClinVar variation 4824576 (VCV004824576.1).
Genomic context (GRCh38, chr16:89,769,945, plus strand): 5'-TCAAAGAGCGCAGGGACAGGAAGGCCAGCACCAGGTGCAGGAGGACCCACATCCACCTCT[G>A]GGAGCGCAGACCTGGACTCACCCAGGTGCACGGCCAGGGCAGCCAACCCCAGCACATGTG-3'
Protein context (NP_000126.2, residues 789-809): VHLGESRSAL[Pro799Leu]EVDVGPPAPG

ClinVar aggregate classification (germline): Uncertain significance (1 of 4 stars; one submission).

Conditions:
Inborn genetic diseases. Identifiers: MedGen C0950123, MeSH D030342.

Submission:

Ambry Genetics
Classification: Uncertain significance for Inborn genetic diseases. Last evaluated: 2026-01-16. Review status: criteria provided, single submitter. Criteria: Ambry Variant Classification Scheme 2023. Collection method: clinical testing. Allele origin: germline.
Comment: The p.P799L variant (also known as c.2396C>T), located in coding exon 26 of the FANCA gene, results from a C to T substitution at nucleotide position 2396. The proline at codon 799 is replaced by leucine, an amino acid with similar properties. This amino acid position is conserved. In addition, the in silico prediction for this alteration is inconclusive. Based on the available evidence, the clinical significance of this variant remains unclear.